The following is an entry in ClinVar:

ClinVar aggregate classification (germline): Uncertain significance. Review status: criteria provided, multiple submitters, no conflicts (2 of 4 stars). 2 submissions from 2 submitters: Uncertain significance (2). Last evaluated 2025-03-06.

Conditions:
Cardiovascular phenotype. Identifiers: MedGen CN230736.
Myofibrillar myopathy 4. Also called: Zaspopathy (type). Identifiers: Orphanet 98912, MedGen C4721886, MONDO:0012277, OMIM 609452.

Allele frequency attached by ClinVar (database versions not stated): gnomAD exomes below 0.00001.
gnomAD v4.1: 3 of 1,613,962 alleles (0.00019%); highest among the groups gnomAD compares: Non-Finnish European, 0.00025%; no homozygotes.

Submissions (2):

Ambry Genetics
Classification: Uncertain significance for Cardiovascular phenotype. Last evaluated: 2025-03-06. Review status: criteria provided, single submitter. Criteria: Ambry Variant Classification Scheme 2023. Collection method: clinical testing. Allele origin: germline.
Comment: The c.246-3C>T intronic variant results from a C to T substitution 3 nucleotides upstream from coding exon 3 in the LDB3 gene. This nucleotide position is not well conserved in available vertebrate species. In silico splice site analysis predicts that this alteration will not have any significant effect on splicing. Based on the available evidence, the clinical significance of this variant remains unclear.

Labcorp Genetics (formerly Invitae), Labcorp
Classification: Uncertain significance for Myofibrillar myopathy 4. Last evaluated: 2023-12-18. Review status: criteria provided, single submitter. Criteria: Invitae Variant Classification Sherloc (09022015). Collection method: clinical testing. Allele origin: germline.
Comment: This sequence change falls in intron 2 of the LDB3 gene. It does not directly change the encoded amino acid sequence of the LDB3 protein. It affects a nucleotide within the consensus splice site. This variant is not present in population databases (gnomAD no frequency). This variant has not been reported in the literature in individuals affected with LDB3-related conditions. Variants that disrupt the consensus splice site are a relatively common cause of aberrant splicing (PMID: 17576681, 9536098). Algorithms developed to predict the effect of sequence changes on RNA splicing suggest that this variant is not likely to affect RNA splicing. In summary, the available evidence is currently insufficient to determine the role of this variant in disease. Therefore, it has been classified as a Variant of Uncertain Significance.

Literature cited by the submitters: PubMed 17576681 (cited by Labcorp Genetics (formerly Invitae), Labcorp); PubMed 9536098 (cited by Labcorp Genetics (formerly Invitae), Labcorp).

NM_007078.3(LDB3):c.246-3C>T

Gene: LDB3 (LIM domain binding 3; plus strand). Cytogenetic location: 10q23.2.
Variant type: single nucleotide variant.
Coding change: c.246-3C>T on transcript NM_007078.3 (MANE Select); 3 bases into the intron before coding-DNA position 246, C replaced by T.
Molecular consequence: intron variant.
Genome position (GRCh38, 1-based): chr10:86,680,079, C>T. VCF-style: chr10-86680079-C-T. GRCh37 (hg19) VCF-style: chr10-88439836-C-T.
Other names: c.246-3C>T (NM_007078.2, NM_001368064.1, NM_001368063.1 and 9 more transcripts).
Identifiers: ClinVar variation 2876940 (VCV002876940.4), dbSNP rs1845026767, ClinGen allele CA1925614909.